The following is an entry in ClinVar:

NM_152703.5(SAMD9L):c.3935C>T (p.Pro1312Leu)

Gene: SAMD9L (sterile alpha motif domain containing 9 like; minus strand). Cytogenetic location: 7q21.2.
Variant type: single nucleotide variant.
Coding change: c.3935C>T on transcript NM_152703.5 (MANE Select); coding-DNA position 3935, C replaced by T.
Protein change: p.Pro1312Leu; replaces proline 1312 with leucine.
Molecular consequence: missense variant.
Genome position (GRCh38, 1-based): chr7:93,132,037, G>A on the plus strand (C>T on the coding strand, the complement: SAMD9L is on the minus strand). VCF-style: chr7-93132037-G-A. GRCh37 (hg19) VCF-style: chr7-92761350-G-A.
Other names: c.3935C>T, p.Pro1312Leu (NM_001303496.3, NM_001303497.3, NM_001303498.3 and 5 more transcripts); short protein forms P1312L.
Identifiers: ClinVar variation 3792268 (VCV003792268.1).

ClinVar aggregate classification (germline): Uncertain significance (1 of 4 stars; one submission).

Conditions:
Inborn genetic diseases. Identifiers: MedGen C0950123, MeSH D030342.

Submission:

Ambry Genetics
Classification: Uncertain significance for Inborn genetic diseases. Last evaluated: 2025-01-02. Review status: criteria provided, single submitter. Criteria: Ambry Variant Classification Scheme 2023. Collection method: clinical testing. Allele origin: germline.
Comment: The p.P1312L variant (also known as c.3935C>T), located in coding exon 1 of the SAMD9L gene, results from a C to T substitution at nucleotide position 3935. The proline at codon 1312 is replaced by leucine, an amino acid with similar properties. This amino acid position is conserved. In addition, this alteration is predicted to be tolerated by in silico analysis. Based on the available evidence, the clinical significance of this variant remains unclear.